The following is an entry in ClinVar:

NM_015368.4(PANX1):c.562G>C (p.Glu188Gln)

Gene: PANX1 (pannexin 1; plus strand). Cytogenetic location: 11q21.
Variant type: single nucleotide variant.
Coding change: c.562G>C on transcript NM_015368.4 (MANE Select); coding-DNA position 562, G replaced by C.
Protein change: p.Glu188Gln; replaces glutamic acid 188 with glutamine.
Molecular consequence: missense variant.
Genome position (GRCh38, 1-based): chr11:94,179,618, G>C. VCF-style: chr11-94179618-G-C. GRCh37 (hg19) VCF-style: chr11-93912784-G-C.
Other names: short protein forms E188Q.
Identifiers: ClinVar variation 4813426 (VCV004813426.1).
Genomic context (GRCh38, chr11:94,179,618, plus strand): 5'-TCTTGATGAGTGCCTAAGTTATTTTTGTTTCCTTTATTTTTTAGTTTGTGGGAGGTATCT[G>C]AAAGCCACTTCAAGTACCCAATTGTGGAGCAGTACTTGAAGACAAAGAAAAATTCTAATA-3'
Protein context (NP_056183.2, residues 178-198): NLGQSLWEVS[Glu188Gln]SHFKYPIVEQ

ClinVar aggregate classification (germline): Uncertain significance (1 of 4 stars; one submission).

Conditions:
Oocyte maturation defect 7. Also called: OOCYTE/ZYGOTE/EMBRYO MATURATION ARREST 7. Identifiers: MedGen C5231407, MONDO:0032810, OMIM 618550.

gnomAD v4.1: 2 of 1,613,376 alleles (0.00012%); highest among the groups gnomAD compares: Non-Finnish European, 0.000085%; no homozygotes.

Submission:

MVZ Praenatalmedizin und Genetik Nuernberg
Classification: Uncertain significance for Oocyte maturation defect 7. Last evaluated: 2022-07-04. Review status: criteria provided, single submitter. Criteria: ACMG Guidelines, 2015. Collection method: clinical testing. Allele origin: germline. Affected: yes.
Comment: The variant has not been detected in gnomADv2.1.1 and is therefore a very rare variant. It has not yet been reported in the ClinVar database. To our knowledge, it has not yet been described in the literature. The computer-assisted prediction (in silico) performed for this genetic change tends toward a pathogenic assessment (CADD GRCh37-v1.6: 26.6), but this is not sufficient for classification. In summary, based on the current data, we assess this variant as having uncertain clinical significance (VUS).